The following is an entry in ClinVar:

NM_006648.4(WNK2):c.2110A>G (p.Met704Val)

Gene: WNK2 (WNK lysine deficient protein kinase 2; plus strand). Cytogenetic location: 9q22.31.
Variant type: single nucleotide variant.
Coding change: c.2110A>G on transcript NM_006648.4 (MANE Select); coding-DNA position 2110, A replaced by G.
Protein change: p.Met704Val; replaces methionine 704 with valine.
Molecular consequence: missense variant.
Genome position (GRCh38, 1-based): chr9:93,256,374, A>G. VCF-style: chr9-93256374-A-G. GRCh37 (hg19) VCF-style: chr9-96018656-A-G.
Other names: c.2110A>G, p.Met704Val (NM_001282394.3); short protein forms M704V.
Identifiers: ClinVar variation 4866523 (VCV004866523.1).

ClinVar aggregate classification (germline): Uncertain significance (1 of 4 stars; one submission).

gnomAD v4.1: 1 of 1,573,910 alleles (0.000064%); highest among the groups gnomAD compares: Non-Finnish European, 0.000086%; no homozygotes.

Submission:

Ambry Genetics
Classification: Uncertain significance. Last evaluated: 2026-03-18. Review status: criteria provided, single submitter. Criteria: Ambry Variant Classification Scheme 2023. Collection method: clinical testing. Allele origin: germline.
Comment: The p.M704V variant (also known as c.2110A>G), located in coding exon 9 of the WNK2 gene, results from an A to G substitution at nucleotide position 2110. The methionine at codon 704 is replaced by valine, an amino acid with highly similar properties. This amino acid position is conserved. In addition, this alteration is predicted to be tolerated by in silico analysis. Based on the available evidence, the clinical significance of this variant remains unclear.